The following is an entry in ClinVar:

ClinVar aggregate classification (germline): Uncertain significance. Review status: criteria provided, multiple submitters, no conflicts (2 of 4 stars). 3 submissions from 3 submitters: Uncertain significance (2). 1 of the submissions does not count toward it. Last evaluated 2022-07-13.

Conditions:
COL18A1-related disorder. Also called: COL18A1-related disorders; COL18A1-related condition.
Knobloch syndrome (KNO). Also called: RETINAL DETACHMENT AND OCCIPITAL ENCEPHALOCELE; Myopia retinal detachment encephalocele. Identifiers: Orphanet 1571, MedGen C1849409, MONDO:0800166.

Allele frequency attached by ClinVar (database versions not stated): gnomAD 0.00001; TOPMed 0.00001; gnomAD exomes 0.00002; ExAC 0.00003; ESP Exome Variant Server 0.00008.
gnomAD v4.1: 39 of 1,610,974 alleles (0.0024%); highest among the groups gnomAD compares: Non-Finnish European, 0.003%; no homozygotes.

Submissions (3):

Labcorp Genetics (formerly Invitae), Labcorp
Classification: Uncertain significance. Last evaluated: 2022-07-13. Review status: criteria provided, single submitter. Criteria: Invitae Variant Classification Sherloc (09022015). Collection method: clinical testing. Allele origin: germline.
Comment: This sequence change replaces glycine, which is neutral and non-polar, with serine, which is neutral and polar, at codon 200 of the COL18A1 protein (p.Gly200Ser). This variant is present in population databases (rs370834739, gnomAD 0.005%). This variant has not been reported in the literature in individuals affected with COL18A1-related conditions. ClinVar contains an entry for this variant (Variation ID: 898071). Experimental studies and prediction algorithms are not available or were not evaluated, and the functional significance of this variant is currently unknown. In summary, the available evidence is currently insufficient to determine the role of this variant in disease. Therefore, it has been classified as a Variant of Uncertain Significance.

Illumina Laboratory Services, Illumina
Classification: Uncertain significance for Knobloch syndrome 1. Last evaluated: 2018-01-13. Review status: criteria provided, single submitter. Criteria: ICSL Variant Classification Criteria 13 December 2019. Collection method: clinical testing. Allele origin: germline.

PreventionGenetics, part of Exact Sciences
Classification: Uncertain significance for COL18A1-related condition. Last evaluated: 2024-07-11. Review status: no assertion criteria provided. Collection method: clinical testing. Allele origin: germline. Not counted in ClinVar's aggregate classification.
Comment: The COL18A1 c.1138G>A variant is predicted to result in the amino acid substitution p.Gly380Ser. To our knowledge, this variant has not been reported in the literature. This variant is reported in 0.0045% of alleles in individuals of European (Non-Finnish) descent in gnomAD. At this time, the clinical significance of this variant is uncertain due to the absence of conclusive functional and genetic evidence.

NM_001379500.1(COL18A1):c.598G>A (p.Gly200Ser)

Gene: COL18A1 (collagen type XVIII alpha 1 chain; plus strand). Cytogenetic location: 21q22.3.
Variant type: single nucleotide variant.
Coding change: c.598G>A on transcript NM_001379500.1 (MANE Select); coding-DNA position 598, G replaced by A.
Protein change: p.Gly200Ser; replaces glycine 200 with serine.
Molecular consequence: missense variant.
Genome position (GRCh38, 1-based): chr21:45,468,733, G>A. VCF-style: chr21-45468733-G-A. GRCh37 (hg19) VCF-style: chr21-46888647-G-A.
Other names: NM_130445.2:c.598G>A; c.1138G>A, p.Gly380Ser (NM_030582.4); c.1843G>A, p.Gly615Ser (NM_130444.3); c.1138G>A (NM_030582.3); short protein forms G380S, G615S, G200S.
Identifiers: ClinVar variation 898071 (VCV000898071.7), dbSNP rs370834739, ClinGen allele CA10065790.